The following is an entry in ClinVar:

ClinVar aggregate classification (germline): Pathogenic (1 of 4 stars; one submission).

Conditions:
Familial focal epilepsy with variable foci (FPEVF). Identifiers: Orphanet 98820, MedGen C1858477, MONDO:0020310.

Submission:

Labcorp Genetics (formerly Invitae), Labcorp
Classification: Pathogenic for Familial focal epilepsy with variable foci. Last evaluated: 2020-03-20. Review status: criteria provided, single submitter. Criteria: Invitae Variant Classification Sherloc (09022015). Collection method: clinical testing. Allele origin: germline.
Comment: For these reasons, this variant has been classified as Pathogenic. This sequence change creates a premature translational stop signal (p.Phe380Serfs*24) in the DEPDC5 gene. It is expected to result in an absent or disrupted protein product. This variant is not present in population databases (ExAC no frequency). This variant has not been reported in the literature in individuals with DEPDC5-related conditions. Loss-of-function variants in DEPDC5 are known to be pathogenic (PMID: 23542697, 23542701).

Literature cited by the submitters: PubMed 23542697; PubMed 23542701.

NM_001242896.3(DEPDC5):c.1139del (p.Phe380fs)

Gene: DEPDC5 (DEP domain containing 5, GATOR1 subcomplex subunit; plus strand). Cytogenetic location: 22q12.3.
Variant type: Deletion.
Coding change: c.1139del on transcript NM_001242896.3 (MANE Select); coding-DNA position 1139, one base deleted (T; older notation c.1139delT).
Protein change: p.Phe380fs; shifts the reading frame from phenylalanine 380.
Molecular consequence: frameshift variant. On other transcripts: non-coding transcript variant (5).
Genome position (GRCh38, 1-based): chr22:31,804,219, T deleted; the last of 2 consecutive T bases (chr22:31,804,218-31,804,219); deleting either gives the same sequence. VCF-style (leftmost placement, unchanged base first): chr22-31804217-GT-G. GRCh37 (hg19) VCF-style: chr22-32200203-GT-G.
Other names: c.1139del, p.Phe380fs (NM_001007188.4, NM_001136029.4, NM_001242897.2 and 7 more transcripts); c.1055del, p.Phe352fs (NM_001369901.1, NM_001369902.1); short protein forms F352fs, F380fs.
Identifiers: ClinVar variation 1076836 (VCV001076836.7), dbSNP rs2148649693, ClinGen allele CA2499226146.